The following is an entry in ClinVar:

NM_001037.5(SCN1B):c.448+295G>T

Gene: SCN1B (sodium voltage-gated channel beta subunit 1; plus strand). Cytogenetic location: 19q13.11.
Variant type: single nucleotide variant.
Coding change: c.448+295G>T on transcript NM_001037.5 (MANE Select); 295 bases into the intron after coding-DNA position 448, G replaced by T.
Molecular consequence: intron variant. On other transcripts: missense variant (1).
Genome position (GRCh38, 1-based): chr19:35,034,034, G>T. VCF-style: chr19-35034034-G-T. GRCh37 (hg19) VCF-style: chr19-35524938-G-T.
Other names: p.S248I:AGC>ATC; c.349+295G>T (NM_001321605.2); c.743G>T, p.Ser248Ile (NM_199037.5); short protein forms S248I.
Identifiers: ClinVar variation 190849 (VCV000190849.9), dbSNP rs786205828, ClinGen allele CA302135.

ClinVar aggregate classification (germline): Conflicting classifications of pathogenicity. Review status: criteria provided, conflicting classifications (1 of 4 stars). 2 submissions from 2 submitters: Uncertain significance (1); Likely benign (1). Last evaluated 2018-11-13.

Conditions:
Brugada syndrome 5 (BRGDA5). Identifiers: Orphanet 130, Orphanet 871, MedGen C2748541, MONDO:0013015, OMIM 612838.

Allele frequency attached by ClinVar (database versions not stated): gnomAD 0.00001; TOPMed 0.00001.

Submissions (2):

Labcorp Genetics (formerly Invitae), Labcorp
Classification: Uncertain significance for Brugada syndrome 5. Last evaluated: 2018-11-13. Review status: criteria provided, single submitter. Criteria: Invitae Variant Classification Sherloc (09022015). Collection method: clinical testing. Allele origin: germline.
Comment: Algorithms developed to predict the effect of missense changes on protein structure and function are either unavailable or do not agree on the potential impact of this missense change (SIFT: "Tolerated"; PolyPhen-2: "Possibly Damaging"; Align-GVGD: "Class C0"). In summary, the available evidence is currently insufficient to determine the role of this variant in disease. Therefore, it has been classified as a Variant of Uncertain Significance. This variant has not been reported in the literature in individuals with SCN1B-related disease. ClinVar contains an entry for this variant (Variation ID: 190849). This variant is not present in population databases (ExAC no frequency). This sequence change replaces serine with isoleucine at codon 248 of the SCN1B protein (p.Ser248Ile). The serine residue is weakly conserved and there is a large physicochemical difference between serine and isoleucine.

GeneDx
Classification: Likely benign. Last evaluated: 2014-05-29. Review status: criteria provided, single submitter. Criteria: GeneDx Variant Classification (06012015). Collection method: clinical testing. Allele origin: germline. Affected: yes.
Comment: This variant is considered likely benign or benign based on one or more of the following criteria: it is a conservative change, it occurs at a poorly conserved position in the protein, it is predicted to be benign by multiple in silico algorithms, and/or has population frequency not consistent with disease.